The following is an entry in ClinVar:

ClinVar aggregate classification (germline): Likely pathogenic (1 of 4 stars; one submission).

Conditions:
Autosomal recessive polycystic kidney disease (ARPKD). Also called: AR polycystic kidney disease. Identifiers: Orphanet 731, Orphanet 8378, MedGen C0085548, MeSH D017044, MONDO:0009889.

Submission:

Labcorp Genetics (formerly Invitae), Labcorp
Classification: Likely pathogenic for Autosomal recessive polycystic kidney disease. Last evaluated: 2024-10-14. Review status: criteria provided, single submitter. Criteria: Invitae Variant Classification Sherloc (09022015). Collection method: clinical testing. Allele origin: germline.
Comment: This sequence change affects a donor splice site in intron 25 of the PKHD1 gene. It is expected to disrupt RNA splicing. Variants that disrupt the donor or acceptor splice site typically lead to a loss of protein function (PMID: 16199547), and loss-of-function variants in PKHD1 are known to be pathogenic (PMID: 19940839). This variant is not present in population databases (gnomAD no frequency). This variant has not been reported in the literature in individuals affected with PKHD1-related conditions. Algorithms developed to predict the effect of sequence changes on RNA splicing suggest that this variant may disrupt the consensus splice site. In summary, the currently available evidence indicates that the variant is pathogenic, but additional data are needed to prove that conclusively. Therefore, this variant has been classified as Likely Pathogenic.

Literature cited by the submitters: PubMed 16199547; PubMed 19940839.

NM_138694.4(PKHD1):c.2715+1G>T

Gene: PKHD1 (PKHD1 ciliary IPT domain containing fibrocystin/polyductin; minus strand). Cytogenetic location: 6p12.2.
Variant type: single nucleotide variant.
Coding change: c.2715+1G>T on transcript NM_138694.4 (MANE Select); the canonical splice donor site of the intron after coding-DNA position 2715, G replaced by T.
Molecular consequence: splice donor variant.
Genome position (GRCh38, 1-based): chr6:52,044,965, C>A on the plus strand (G>T on the coding strand, the complement: PKHD1 is on the minus strand). VCF-style: chr6-52044965-C-A. GRCh37 (hg19) VCF-style: chr6-51909763-C-A.
Other names: c.2715+1G>T (NM_170724.3).
Identifiers: ClinVar variation 2706861 (VCV002706861.3), dbSNP rs1554209188, ClinGen allele CA364442742.